The following is an entry in ClinVar:

ClinVar aggregate classification (germline): Uncertain significance. Review status: criteria provided, multiple submitters, no conflicts (2 of 4 stars). 2 submissions from 2 submitters: Uncertain significance (2). Last evaluated 2022-10-18.

Conditions:
Tuberous sclerosis 2 (TSC2). Identifiers: Orphanet 805, MedGen C1860707, MONDO:0013199, OMIM 613254.

Submissions (2):

GeneDx
Classification: Uncertain significance. Last evaluated: 2022-10-18. Review status: criteria provided, single submitter. Criteria: GeneDx Variant Classification Process June 2021. Collection method: clinical testing. Allele origin: germline. Affected: yes.
Comment: Not observed at significant frequency in large population cohorts (gnomAD); In silico analysis supports a deleterious effect on protein structure/function; Has not been previously published as pathogenic or benign to our knowledge

Labcorp Genetics (formerly Invitae), Labcorp
Classification: Uncertain significance for Tuberous sclerosis 2. Last evaluated: 2021-12-29. Review status: criteria provided, single submitter. Criteria: Invitae Variant Classification Sherloc (09022015). Collection method: clinical testing. Allele origin: germline.
Comment: In summary, the available evidence is currently insufficient to determine the role of this variant in disease. Therefore, it has been classified as a Variant of Uncertain Significance. Algorithms developed to predict the effect of missense changes on protein structure and function are either unavailable or do not agree on the potential impact of this missense change (SIFT: "Not Available"; PolyPhen-2: "Probably Damaging"; Align-GVGD: "Not Available"). This variant has not been reported in the literature in individuals affected with TSC2-related conditions. Information on the frequency of this variant in the gnomAD database is not available, as this variant may be reported differently in the database. This sequence change replaces glutamic acid, which is acidic and polar, with methionine, which is neutral and non-polar, at codon 1107 of the TSC2 protein (p.Glu1107Met).

NM_000548.5(TSC2):c.3319_3320delinsAT (p.Glu1107Met)

Gene: TSC2 (TSC complex subunit 2; plus strand). Cytogenetic location: 16p13.3.
Variant type: Indel.
Coding change: c.3319_3320delinsAT on transcript NM_000548.5 (MANE Select); coding-DNA positions 3319 to 3320, GA replaced by AT.
Protein change: p.Glu1107Met; replaces glutamic acid 1107 with methionine.
Molecular consequence: missense variant.
Genome position (GRCh38, 1-based): chr16:2,079,591-2,079,592, GA replaced by AT. VCF-style: chr16-2079591-GA-AT. GRCh37 (hg19) VCF-style: chr16-2129592-GA-AT.
Other names: c.3319_3320delinsAT (NM_000548.3); c.3187_3188delinsAT, p.Glu1063Met (NM_001077183.3, NM_001370404.1); c.3319_3320delinsAT, p.Glu1107Met (NM_001114382.3); c.3079_3080delinsAT, p.Glu1027Met (NM_001318827.2); c.3043_3044delinsAT, p.Glu1015Met (NM_001318829.2); c.2587_2588delinsAT, p.Glu863Met (NM_001318831.2); c.3220_3221delinsAT, p.Glu1074Met (NM_001318832.2); c.3190_3191delinsAT, p.Glu1064Met (NM_001363528.2, NM_001370405.1, NM_021055.3); short protein forms E1015M, E1074M, E863M, E1063M, E1107M, E1064M, E1027M.
Identifiers: ClinVar variation 1386848 (VCV001386848.6), dbSNP rs1596385905, ClinGen allele CA2573151673.